The following is an entry in ClinVar:

ClinVar aggregate classification (germline): Pathogenic/Likely pathogenic. Review status: criteria provided, multiple submitters, no conflicts (2 of 4 stars). 2 submissions from 2 submitters: Pathogenic (1); Likely pathogenic (1). Last evaluated 2026-02-16.

Conditions:
Bardet-Biedl syndrome (BBS). Identifiers: Orphanet 110, MedGen C0752166, MONDO:0015229.
BBS7-related disorder. Also called: BBS7-related condition.

Submissions (2):

PreventionGenetics, part of Exact Sciences
Classification: Likely pathogenic for BBS7-related condition. Last evaluated: 2026-02-16. Review status: criteria provided, single submitter. Criteria: ACMG Guidelines, 2015. Collection method: clinical testing. Allele origin: germline.
Comment: The BBS7 c.181_182delTT variant is predicted to result in a frameshift and premature protein termination (p.Leu61Thrfs*28). To our knowledge, this variant has not been reported in the literature. This variant is reported in 0.0099% of alleles in individuals of Ashkenazi Jewish descent in gnomAD. Frameshift variants in BBS7 are expected to be pathogenic. This variant is interpreted as likely pathogenic.

Labcorp Genetics (formerly Invitae), Labcorp
Classification: Pathogenic for Bardet-Biedl syndrome. Last evaluated: 2024-01-28. Review status: criteria provided, single submitter. Criteria: Invitae Variant Classification Sherloc (09022015). Collection method: clinical testing. Allele origin: germline.
Comment: This sequence change creates a premature translational stop signal (p.Leu61Thrfs*28) in the BBS7 gene. It is expected to result in an absent or disrupted protein product. Loss-of-function variants in BBS7 are known to be pathogenic (PMID: 12567324, 19402160, 21209035, 31196119). This variant is present in population databases (no rsID available, gnomAD 0.01%). This variant has not been reported in the literature in individuals affected with BBS7-related conditions. For these reasons, this variant has been classified as Pathogenic.

Literature cited by the submitters: PubMed 12567324 (cited by Labcorp Genetics (formerly Invitae), Labcorp); PubMed 19402160 (cited by Labcorp Genetics (formerly Invitae), Labcorp); PubMed 21209035 (cited by Labcorp Genetics (formerly Invitae), Labcorp); PubMed 31196119 (cited by Labcorp Genetics (formerly Invitae), Labcorp).

NM_176824.3(BBS7):c.181_182del (p.Leu61fs)

Gene: BBS7 (Bardet-Biedl syndrome 7; minus strand). Cytogenetic location: 4q27.
Variant type: Deletion.
Coding change: c.181_182del on transcript NM_176824.3 (MANE Select); coding-DNA positions 181 to 182, 2 bases deleted (TT; older notation c.181_182delTT).
Protein change: p.Leu61fs; shifts the reading frame from leucine 61.
Molecular consequence: frameshift variant.
Genome position (GRCh38, 1-based): chr4:121,861,663-121,861,664, AA deleted on the plus strand (TT on the coding strand, the reverse complement: BBS7 is on the minus strand); deleting any 2 consecutive bases within chr4:121,861,663-121,861,665 gives the same sequence; the c. name uses the placement nearest the transcript's 3' end. VCF-style (leftmost placement, unchanged base first): chr4-121861662-TAA-T. GRCh37 (hg19) VCF-style: chr4-122782817-TAA-T.
Other names: c.181_182del, p.Leu61fs (NM_018190.4); c.181_182delTT (NM_176824.2); short protein forms L61fs.
Identifiers: ClinVar variation 3637305 (VCV003637305.3).